The following is an entry in ClinVar:

NM_176869.3(PPA2):c.825G>A (p.Trp275Ter)

Gene: PPA2 (inorganic pyrophosphatase 2; minus strand). Cytogenetic location: 4q24.
Variant type: single nucleotide variant.
Coding change: c.825G>A on transcript NM_176869.3 (MANE Select); coding-DNA position 825, G replaced by A.
Protein change: p.Trp275Ter; replaces tryptophan 275 with a stop codon.
Molecular consequence: nonsense.
Genome position (GRCh38, 1-based): chr4:105,396,293, C>T on the plus strand (G>A on the coding strand, the complement: PPA2 is on the minus strand). VCF-style: chr4-105396293-C-T. GRCh37 (hg19) VCF-style: chr4-106317450-C-T.
Other names: c.738G>A, p.Trp246Ter (NM_006903.4); c.519G>A, p.Trp173Ter (NM_176866.2); c.327G>A, p.Trp109Ter (NM_176867.3); short protein forms W173*, W275*, W109*, W246*.
Identifiers: ClinVar variation 2039699 (VCV002039699.4), dbSNP rs2476992228, ClinGen allele CA357789136.

ClinVar aggregate classification (germline): Uncertain significance (1 of 4 stars; one submission).

Submission:

Labcorp Genetics (formerly Invitae), Labcorp
Classification: Uncertain significance. Last evaluated: 2021-12-11. Review status: criteria provided, single submitter. Criteria: Invitae Variant Classification Sherloc (09022015). Collection method: clinical testing. Allele origin: germline.
Comment: In summary, the available evidence is currently insufficient to determine the role of this variant in disease. Therefore, it has been classified as a Variant of Uncertain Significance. This variant has not been reported in the literature in individuals affected with PPA2-related conditions. This variant is not present in population databases (gnomAD no frequency). This sequence change creates a premature translational stop signal (p.Trp275*) in the PPA2 gene. It is expected to result in an absent or disrupted protein product. However, the current clinical and genetic evidence is not sufficient to establish whether loss-of-function variants in PPA2 cause disease.